The following is an entry in ClinVar:

ClinVar aggregate classification (germline): Likely benign (1 of 4 stars; one submission).

gnomAD v4.1: 1 of 1,613,862 alleles (0.000062%); highest among the groups gnomAD compares: Non-Finnish European, 0.000085%; no homozygotes.

Submission:

Molecular Diagnostic Laboratory for Inherited Cardiovascular Disease, Montreal Heart Institute
Classification: Likely benign. Last evaluated: 2025-04-09. Review status: criteria provided, single submitter. Criteria: ACMG Guidelines, 2015. Collection method: clinical testing. Allele origin: germline. Affected: no.
Comment: BP1

NM_001267550.2(TTN):c.86566G>C (p.Asp28856His)

Genes: TTN (titin; minus strand), TTN-AS1 (TTN antisense RNA 1; plus strand). Cytogenetic location: 2q31.2.
Variant type: single nucleotide variant.
Coding change: c.86566G>C on transcript NM_001267550.2 (MANE Select); coding-DNA position 86566, G replaced by C.
Protein change: p.Asp28856His; replaces aspartic acid 28856 with histidine.
Molecular consequence: missense variant.
Genome position (GRCh38, 1-based): chr2:178,559,566, C>G on the plus strand (G>C on the coding strand, the complement: TTN is on the minus strand). VCF-style: chr2-178559566-C-G. GRCh37 (hg19) VCF-style: chr2-179424293-C-G.
Other names: c.81643G>C, p.Asp27215His (NM_001256850.1); c.59371G>C, p.Asp19791His (NM_003319.4); c.78862G>C, p.Asp26288His (NM_133378.4); c.59746G>C, p.Asp19916His (NM_133432.3); c.59947G>C, p.Asp19983His (NM_133437.4); short protein forms D19791H, D19916H, D19983H, D26288H, D27215H, D28856H.
Identifiers: ClinVar variation 3895115 (VCV003895115.1), dbSNP rs747235124.